The following is an entry in ClinVar:

NM_004006.3(DMD):c.8500A>G (p.Ile2834Val)

Gene: DMD (dystrophin; minus strand). Cytogenetic location: Xp21.2.
Variant type: single nucleotide variant.
Coding change: c.8500A>G on transcript NM_004006.3 (MANE Select); coding-DNA position 8500, A replaced by G.
Protein change: p.Ile2834Val; replaces isoleucine 2834 with valine.
Molecular consequence: missense variant.
Genome position (GRCh38, 1-based): chrX:31,496,835, T>C on the plus strand (A>G on the coding strand, the complement: DMD is on the minus strand). VCF-style: chrX-31496835-T-C. GRCh37 (hg19) VCF-style: chrX-31514952-T-C.
Other names: c.8476A>G, p.Ile2826Val (NM_000109.4); c.8488A>G, p.Ile2830Val (NM_004009.3); c.8131A>G, p.Ile2711Val (NM_004010.3); c.4477A>G, p.Ile1493Val (NM_004011.4); c.4468A>G, p.Ile1490Val (NM_004012.4); c.1120A>G, p.Ile374Val (NM_004013.3, NM_004020.4, NM_004021.3 and 2 more transcripts); c.313A>G, p.Ile105Val (NM_004014.3); short protein forms I105V, I1490V, I1493V, I2711V, I2826V, I2830V, I2834V, I374V.
Identifiers: ClinVar variation 1719377 (VCV001719377.7), dbSNP rs2525732209, ClinGen allele CA412655455.

ClinVar aggregate classification (germline): Uncertain significance. Review status: criteria provided, multiple submitters, no conflicts (2 of 4 stars). 2 submissions from 2 submitters: Uncertain significance (2). Last evaluated 2022-09-14.

Conditions:
Duchenne muscular dystrophy (DMD). Also called: MUSCULAR DYSTROPHY, PSEUDOHYPERTROPHIC PROGRESSIVE, DUCHENNE TYPE; Duchenne Muscular Dystrophy (DMD). Identifiers: Orphanet 98896, MedGen C0013264, MONDO:0010679, OMIM 310200.

Submissions (2):

Labcorp Genetics (formerly Invitae), Labcorp
Classification: Uncertain significance for Duchenne muscular dystrophy. Last evaluated: 2022-09-14. Review status: criteria provided, single submitter. Criteria: Invitae Variant Classification Sherloc (09022015). Collection method: clinical testing. Allele origin: germline.
Comment: This sequence change replaces isoleucine, which is neutral and non-polar, with valine, which is neutral and non-polar, at codon 2834 of the DMD protein (p.Ile2834Val). This variant is not present in population databases (gnomAD no frequency). This variant has not been reported in the literature in individuals affected with DMD-related conditions. Advanced modeling of protein sequence and biophysical properties (such as structural, functional, and spatial information, amino acid conservation, physicochemical variation, residue mobility, and thermodynamic stability) performed at Invitae indicates that this missense variant is not expected to disrupt DMD protein function. In summary, the available evidence is currently insufficient to determine the role of this variant in disease. Therefore, it has been classified as a Variant of Uncertain Significance.

Clinical Genetics Laboratory, Skane University Hospital Lund
Classification: Uncertain significance. Last evaluated: 2022-05-27. Review status: criteria provided, single submitter. Criteria: ACMG Guidelines, 2015. Collection method: clinical testing. Allele origin: germline. Affected: yes.